The following is an entry in ClinVar:

ClinVar aggregate classification (germline): Pathogenic. Review status: criteria provided, multiple submitters, no conflicts (2 of 4 stars). 7 submissions from 7 submitters: Pathogenic (6). 1 of the submissions does not count toward it. Last evaluated 2026-02-01.

Conditions:
Inborn genetic diseases. Identifiers: MedGen C0950123, MeSH D030342.
Glutaric aciduria, type 1. Also called: GA I; Glutaric Acidemia Type 1; Glutaryl-CoA dehydrogenase deficiency; Glutaric acidemia type I; Glutaricaciduria, type I; Glutaricacidemia Type 1. Identifiers: Orphanet 25, MedGen C0268595, MONDO:0009281, OMIM 231670.

Allele frequency attached by ClinVar (database versions not stated): ExAC 0.00001; gnomAD exomes 0.00001.
gnomAD v4.1: 10 of 1,614,044 alleles (0.00062%); highest among the groups gnomAD compares: Admixed American, 0.005%; no homozygotes.

Submissions (7):

Labcorp Genetics (formerly Invitae), Labcorp
Classification: Pathogenic for Glutaric aciduria, type 1. Last evaluated: 2026-02-01. Review status: criteria provided, single submitter. Criteria: Invitae Variant Classification Sherloc (09022015). Collection method: clinical testing. Allele origin: germline.
Comment: This sequence change replaces glycine, which is neutral and non-polar, with arginine, which is basic and polar, at codon 178 of the GCDH protein (p.Gly178Arg). This variant is present in population databases (rs749452002, gnomAD 0.006%). This missense change has been observed in individual(s) with glutaric acidemia (PMID: 8900227, 11073722, 21176883, 28352331). It has also been observed to segregate with disease in related individuals. ClinVar contains an entry for this variant (Variation ID: 371271). Invitae Evidence Modeling of protein sequence and biophysical properties (such as structural, functional, and spatial information, amino acid conservation, physicochemical variation, residue mobility, and thermodynamic stability) indicates that this missense variant is expected to disrupt GCDH protein function with a positive predictive value of 80%. For these reasons, this variant has been classified as Pathogenic.

Ambry Genetics
Classification: Pathogenic for Inborn genetic diseases. Last evaluated: 2026-01-22. Review status: criteria provided, single submitter. Criteria: Ambry Variant Classification Scheme 2023. Collection method: clinical testing. Allele origin: germline.
Comment: The c.532G>A (p.G178R) alteration is located in exon 7 (coding exon 6) of the GCDH gene. This alteration results from a G to A substitution at nucleotide position 532, causing the glycine (G) at amino acid position 178 to be replaced by an arginine (R). Based on data from gnomAD, the A allele has an overall frequency of 0.001% (3/251268) total alleles studied. The highest observed frequency was 0.005% (1/18394) of East Asian alleles. This variant has been identified in the homozygous state and/or in conjunction with other GCDH variant(s) in individual(s) with features consistent with [GCDH-related glutaricaciduria]; in at least one instance, the variants were identified in trans (Tang, 2000; Gowda, 2024; Zhang, 2017). Other variant(s) at the same codon, c.533G>A (p.G178E), have been identified in individual(s) with features consistent with GCDH-related glutaricaciduria (Wang, 2014). This amino acid position is highly conserved in available vertebrate species. This alteration is predicted to be deleterious by in silico analysis. Based on the available evidence, this alteration is classified as pathogenic.

Natera, Inc.
Classification: Pathogenic for Glutaric acidemia type 1. Last evaluated: 2026-01-16. Review status: criteria provided, single submitter. Criteria: Natera Variant Classification Schema (03/2026). Collection method: clinical testing. Allele origin: germline.
Comment: The c.532G>A variant in GCDH is a missense variant predicted to cause substitution of glycine to arginine at amino acid 178. This variant is rare in the general population with a frequency below the threshold expected for the associated phenotype(s). This variant has been observed in one or more individuals affected with the associated recessive disease, as either homozygous or compound heterozygous with a second variant (PMID: 30904546, 11073722, 28352331). Given the available evidence, this variant is classified as Pathogenic.

Revvity Omics, Revvity
Classification: Pathogenic for Glutaric aciduria, type 1. Last evaluated: 2025-06-09. Review status: criteria provided, single submitter. Criteria: ACMG Guidelines, 2015. Collection method: clinical testing. Allele origin: germline.

Fulgent Genetics
Classification: Pathogenic for Glutaric aciduria, type 1. Last evaluated: 2024-06-13. Review status: criteria provided, single submitter. Criteria: ACMG Guidelines, 2015. Collection method: clinical testing. Allele origin: germline.

Women's Health and Genetics/Laboratory Corporation of America, LabCorp
Classification: Pathogenic for Glutaric aciduria, type 1. Last evaluated: 2022-10-28. Review status: criteria provided, single submitter. Criteria: LabCorp Variant Classification Summary - May 2015. Collection method: clinical testing. Allele origin: germline.
Comment: Variant summary: GCDH c.532G>A (p.Gly178Arg) results in a non-conservative amino acid change located in the Acyl-CoA oxidase/dehydrogenase, middle domain of the encoded protein sequence. Five of five in-silico tools predict a damaging effect of the variant on protein function. The variant allele was found at a frequency of 1.2e-05 in 251268 control chromosomes. c.532G>A has been reported in the literature in multiple individuals affected with Glutaric Acidemia Type 1, including multiple affected family members (examples: Biery_1996, Mushimoto_2011, Zhang_2017, Tan_2021, Lin_2021). These data indicate that the variant is very likely to be associated with disease. Additionally, a different variant affecting the same codon has been reported in association with Glutaric acidaemia 1 in HGMD (p.G178E). Three clinical diagnostic laboratories have submitted clinical-significance assessments for this variant to ClinVar after 2014 without evidence for independent evaluation. All laboratories classified the variant as pathogenic/likely pathogenic. Based on the evidence outlined above, the variant was classified as pathogenic.

Counsyl
Classification: Likely pathogenic for Glutaric aciduria, type 1. Last evaluated: 2016-08-16. Review status: no assertion criteria provided. Collection method: clinical testing. Allele origin: unknown. Not counted in ClinVar's aggregate classification.

Literature cited by the submitters: PubMed 8900227 (cited by 3 submitters); PubMed 11073722 (cited by 3 submitters); PubMed 21176883 (cited by 3 submitters); PubMed 28352331 (cited by 4 submitters); PubMed 11058907 (cited by Ambry Genetics and Counsyl); PubMed 24332224 (cited by Ambry Genetics); PubMed 38495240 (cited by Ambry Genetics); PubMed 30904546 (cited by Natera, Inc.); PubMed 34344405 (cited by Women's Health and Genetics/Laboratory Corporation of America, LabCorp); PubMed 34394177 (cited by Women's Health and Genetics/Laboratory Corporation of America, LabCorp); PubMed 9711871 (cited by Counsyl).

NM_000159.4(GCDH):c.532G>A (p.Gly178Arg)

Gene: GCDH (glutaryl-CoA dehydrogenase; plus strand). Cytogenetic location: 19p13.13.
Variant type: single nucleotide variant.
Coding change: c.532G>A on transcript NM_000159.4 (MANE Select); coding-DNA position 532, G replaced by A.
Protein change: p.Gly178Arg; replaces glycine 178 with arginine.
Molecular consequence: missense variant. On other transcripts: non-coding transcript variant (2).
Genome position (GRCh38, 1-based): chr19:12,896,018, G>A. VCF-style: chr19-12896018-G-A. GRCh37 (hg19) VCF-style: chr19-13006832-G-A.
Other names: c.532G>A, p.Gly178Arg (NM_013976.5); short protein forms G178R.
Identifiers: ClinVar variation 371271 (VCV000371271.25), dbSNP rs749452002, ClinGen allele CA9234423.
Genomic context (GRCh38, chr19:12,896,018, plus strand): 5'-CAGGCAGCCTTGTGACTTTGTCTTGTGCCTGCAGCCAAGGGGGAGCTCCTGGGCTGCTTC[G>A]GGCTCACAGAGCCCAACAGCGGAAGTGACCCCAGCAGCATGGAGACCAGAGCCCACTACA-3'
Protein context (NP_000150.1, residues 168-188): LAKGELLGCF[Gly178Arg]LTEPNSGSDP